The following is an entry in ClinVar:

ClinVar aggregate classification (germline): Uncertain significance (1 of 4 stars; one submission).

Allele frequency attached by ClinVar (database versions not stated): gnomAD exomes 0.00001.
gnomAD v4.1: 10 of 1,534,216 alleles (0.00065%); highest among the groups gnomAD compares: Non-Finnish European, 0.00087%; no homozygotes.

Submission:

Labcorp Genetics (formerly Invitae), Labcorp
Classification: Uncertain significance. Last evaluated: 2022-11-11. Review status: criteria provided, single submitter. Criteria: Invitae Variant Classification Sherloc (09022015). Collection method: clinical testing. Allele origin: germline.
Comment: This sequence change replaces serine, which is neutral and polar, with leucine, which is neutral and non-polar, at codon 420 of the RIMS1 protein (p.Ser420Leu). This variant is not present in population databases (gnomAD no frequency). This variant has not been reported in the literature in individuals affected with RIMS1-related conditions. ClinVar contains an entry for this variant (Variation ID: 1426836). Algorithms developed to predict the effect of missense changes on protein structure and function are either unavailable or do not agree on the potential impact of this missense change (SIFT: "Deleterious"; PolyPhen-2: "Benign"; Align-GVGD: "Class C0"). In summary, the available evidence is currently insufficient to determine the role of this variant in disease. Therefore, it has been classified as a Variant of Uncertain Significance.

NM_014989.7(RIMS1):c.1259C>T (p.Ser420Leu)

Gene: RIMS1 (regulating synaptic membrane exocytosis 1; plus strand). Cytogenetic location: 6q13.
Variant type: single nucleotide variant.
Coding change: c.1259C>T on transcript NM_014989.7 (MANE Select); coding-DNA position 1259, C replaced by T.
Protein change: p.Ser420Leu; replaces serine 420 with leucine.
Molecular consequence: missense variant.
Genome position (GRCh38, 1-based): chr6:72,182,730, C>T. VCF-style: chr6-72182730-C-T. GRCh37 (hg19) VCF-style: chr6-72892433-C-T.
Other names: short protein forms S420L.
Identifiers: ClinVar variation 1426836 (VCV001426836.6), dbSNP rs1318051819, ClinGen allele CA364820647.
Genomic context (GRCh38, chr6:72,182,730, plus strand): 5'-CGGGCGCGGCGCTGCCGGAGGGCAAGGCCGGCAAACGCGCGCCGGCGGCAGCCAGGGCCT[C>T]GCCGCCGGACTCGCCGCGGGCTTACTCGGCTGAGAGAACTGCGGAGACCAGGGCGCCGGG-3'
Protein context (NP_055804.2, residues 410-430): GKRAPAAARA[Ser420Leu]PPDSPRAYSA